The following is an entry in ClinVar:

ClinVar aggregate classification (germline): Likely benign (1 of 4 stars; one submission).

Allele frequency attached by ClinVar (database versions not stated): 1000 Genomes Project 0.00100; 1000 Genomes Project 30x 0.00141; ESP Exome Variant Server 0.00429.

Submission:

CeGaT Center for Human Genetics Tuebingen
Classification: Likely benign. Last evaluated: 2024-02-01. Review status: criteria provided, single submitter. Criteria: CeGaT Center For Human Genetics Tuebingen Variant Classification Criteria Version 2. Collection method: clinical testing. Allele origin: germline. Affected: yes. Observed: 1 variant allele.
Comment: MUC2: BS2

NM_002457.5(MUC2):c.1301C>G (p.Pro434Arg)

Gene: MUC2 (mucin 2, oligomeric mucus/gel-forming; plus strand). Cytogenetic location: 11p15.5.
Variant type: single nucleotide variant.
Coding change: c.1301C>G on transcript NM_002457.5 (MANE Select); coding-DNA position 1301, C replaced by G.
Protein change: p.Pro434Arg; replaces proline 434 with arginine.
Molecular consequence: missense variant.
Genome position (GRCh38, 1-based): chr11:1,082,921, C>G. VCF-style: chr11-1082921-C-G. GRCh37 (hg19) VCF-style: chr11-1080917-C-G.
Other names: short protein forms P434R.
Identifiers: ClinVar variation 3024844 (VCV003024844.22), dbSNP rs41442048, ClinGen allele CA5798499.